The following is an entry in ClinVar:

ClinVar aggregate classification (germline): Uncertain significance (1 of 4 stars; one submission).

Allele frequency attached by ClinVar (database versions not stated): gnomAD exomes below 0.00001; gnomAD 0.00001.
gnomAD v4.1: 6 of 1,613,982 alleles (0.00037%); highest among the groups gnomAD compares: East Asian, 0.0067%; no homozygotes.

Submission:

Labcorp Genetics (formerly Invitae), Labcorp
Classification: Uncertain significance. Last evaluated: 2025-03-17. Review status: criteria provided, single submitter. Criteria: Invitae Variant Classification Sherloc (09022015). Collection method: clinical testing. Allele origin: germline.
Comment: This sequence change replaces alanine, which is neutral and non-polar, with threonine, which is neutral and polar, at codon 426 of the PITPNM3 protein (p.Ala426Thr). This variant is present in population databases (no rsID available, gnomAD 0.06%). This variant has not been reported in the literature in individuals affected with PITPNM3-related conditions. ClinVar contains an entry for this variant (Variation ID: 2171519). Invitae Evidence Modeling of protein sequence and biophysical properties (such as structural, functional, and spatial information, amino acid conservation, physicochemical variation, residue mobility, and thermodynamic stability) indicates that this missense variant is not expected to disrupt PITPNM3 protein function with a negative predictive value of 80%. In summary, the available evidence is currently insufficient to determine the role of this variant in disease. Therefore, it has been classified as a Variant of Uncertain Significance.

NM_031220.4(PITPNM3):c.1276G>A (p.Ala426Thr)

Gene: PITPNM3 (PITPNM family member 3; minus strand). Cytogenetic location: 17p13.2.
Variant type: single nucleotide variant.
Coding change: c.1276G>A on transcript NM_031220.4 (MANE Select); coding-DNA position 1276, G replaced by A.
Protein change: p.Ala426Thr; replaces alanine 426 with threonine.
Molecular consequence: missense variant.
Genome position (GRCh38, 1-based): chr17:6,472,810, C>T on the plus strand (G>A on the coding strand, the complement: PITPNM3 is on the minus strand). VCF-style: chr17-6472810-C-T. GRCh37 (hg19) VCF-style: chr17-6376130-C-T.
Other names: c.1168G>A, p.Ala390Thr (NM_001165966.2); short protein forms A390T, A426T.
Identifiers: ClinVar variation 2171519 (VCV002171519.4), dbSNP rs1238774381, ClinGen allele CA397406246.